The following is an entry in ClinVar:

ClinVar aggregate classification (germline): Uncertain significance (1 of 4 stars; one submission).

Allele frequency attached by ClinVar (database versions not stated): gnomAD exomes below 0.00001.
gnomAD v4.1: 3 of 1,614,086 alleles (0.00019%); highest among the groups gnomAD compares: Non-Finnish European, 0.00025%; no homozygotes.

Submission:

Labcorp Genetics (formerly Invitae), Labcorp
Classification: Uncertain significance. Last evaluated: 2025-07-31. Review status: criteria provided, single submitter. Criteria: Invitae Variant Classification Sherloc (09022015). Collection method: clinical testing. Allele origin: germline.
Comment: This sequence change replaces serine, which is neutral and polar, with alanine, which is neutral and non-polar, at codon 77 of the LYRM4 protein (p.Ser77Ala). This variant is not present in population databases (gnomAD no frequency). This variant has not been reported in the literature in individuals affected with LYRM4-related conditions. ClinVar contains an entry for this variant (Variation ID: 2166971). An algorithm developed to predict the effect of missense changes on protein structure and function (PolyPhen-2) suggests that this variant is likely to be tolerated. In summary, the available evidence is currently insufficient to determine the role of this variant in disease. Therefore, it has been classified as a Variant of Uncertain Significance.

NM_020408.6(LYRM4):c.229T>G (p.Ser77Ala)

Genes: LYRM4 (LYR motif containing 4; minus strand), LYRM4-AS1 (LYRM4 antisense RNA 1; plus strand). Cytogenetic location: 6p25.1.
Variant type: single nucleotide variant.
Coding change: c.229T>G on transcript NM_020408.6 (MANE Select); coding-DNA position 229, T replaced by G.
Protein change: p.Ser77Ala; replaces serine 77 with alanine.
Molecular consequence: missense variant. On other transcripts: 3 prime UTR variant (1), non-coding transcript variant (2), intron variant (1).
Genome position (GRCh38, 1-based): chr6:5,109,470, A>C on the plus strand (T>G on the coding strand, the complement: LYRM4 is on the minus strand). VCF-style: chr6-5109470-A-C. GRCh37 (hg19) VCF-style: chr6-5109704-A-C.
Other names: c.*63T>G (NM_001164841.3); c.208-40804T>G (NM_001318783.1); short protein forms S77A.
Identifiers: ClinVar variation 2166971 (VCV002166971.4), dbSNP rs2481029105, ClinGen allele CA362657557.